The following is an entry in ClinVar:

ClinVar aggregate classification (germline): Uncertain significance. Review status: criteria provided, multiple submitters, no conflicts (2 of 4 stars). 4 submissions from 4 submitters: Uncertain significance (3). 1 of the submissions does not count toward it. Last evaluated 2026-04-24.

Conditions:
Inborn genetic diseases. Identifiers: MedGen C0950123, MeSH D030342.
Microcephaly, seizures, and developmental delay. Identifiers: Orphanet 1934, MedGen C3150667, MONDO:0013254, OMIM 613402.

gnomAD v4.1: 13 of 1,614,004 alleles (0.00081%); highest among the groups gnomAD compares: Admixed American, 0.005%; no homozygotes.

Submissions (4):

GeneDx
Classification: Uncertain significance. Last evaluated: 2026-04-24. Review status: criteria provided, single submitter. Criteria: GeneDx Variant Classification Process June 2021. Collection method: clinical testing. Allele origin: germline.
Comment: Not observed at significant frequency in large population cohorts (gnomAD); In silico analysis suggests that this missense variant does not alter protein structure/function; Has not been previously published as pathogenic or benign to our knowledge; This variant is associated with the following publications: (PMID: 22508754)

Blueprint Genetics
Classification: Uncertain significance. Last evaluated: 2020-11-30. Review status: criteria provided, single submitter. Criteria: ACMG Guidelines, 2015. Collection method: clinical testing. Allele origin: germline.

Ambry Genetics
Classification: Uncertain significance for Inborn genetic diseases. Last evaluated: 2019-03-21. Review status: criteria provided, single submitter. Criteria: Ambry Variant Classification Scheme 2023. Collection method: clinical testing. Allele origin: germline.
Comment: The p.V96L variant (also known as c.286G>C), located in coding exon 3 of the PNKP gene, results from a G to C substitution at nucleotide position 286. The valine at codon 96 is replaced by leucine, an amino acid with highly similar properties. This amino acid position is highly conserved in available vertebrate species. In addition, this alteration is predicted to be tolerated by in silico analysis. Since supporting evidence is limited at this time, the clinical significance of this alteration remains unclear.

Service de Génétique Moléculaire, Hôpital Robert Debré
Classification: Uncertain significance for Microcephaly, seizures, and developmental delay. Last evaluated: 2024-10-02. Review status: no assertion criteria provided. Collection method: clinical testing. Allele origin: unknown. Affected: yes. Not counted in ClinVar's aggregate classification.

NM_007254.4(PNKP):c.286G>C (p.Val96Leu)

Gene: PNKP (polynucleotide kinase 3'-phosphatase; minus strand). Cytogenetic location: 19q13.33.
Variant type: single nucleotide variant.
Coding change: c.286G>C on transcript NM_007254.4 (MANE Select); coding-DNA position 286, G replaced by C.
Protein change: p.Val96Leu; replaces valine 96 with leucine.
Molecular consequence: missense variant.
Genome position (GRCh38, 1-based): chr19:49,865,339, C>G on the plus strand (G>C on the coding strand, the complement: PNKP is on the minus strand). VCF-style: chr19-49865339-C-G. GRCh37 (hg19) VCF-style: chr19-50368596-C-G.
Other names: c.286G>C (NM_007254.2); short protein forms V96L.
Identifiers: ClinVar variation 977855 (VCV000977855.6), dbSNP rs768347980, ClinGen allele CA309498676.
Genomic context (GRCh38, chr19:49,865,339, plus strand): 5'-GCTGGGATTCTGGTGTGCGGGTCTCTTCCCAGCGCAGGGTCAGTGGGTGGAGGCCATTGA[C>G]CAAATACAGTGTGTCCCCCACCCCCAGAGAGCCCTCCAACCCCGGCTTCAACTCCTGGGT-3'
Protein context (NP_009185.2, residues 86-106): SLGVGDTLYL[Val96Leu]NGLHPLTLRW